The following is an entry in ClinVar:

NM_001148.6(ANK2):c.10190T>C (p.Leu3397Ser)

Gene: ANK2 (ankyrin 2; plus strand). Cytogenetic location: 4q26.
Variant type: single nucleotide variant.
Coding change: c.10190T>C on transcript NM_001148.6 (MANE Select); coding-DNA position 10190, T replaced by C.
Protein change: p.Leu3397Ser; replaces leucine 3397 with serine.
Molecular consequence: missense variant. On other transcripts: intron variant (68).
Genome position (GRCh38, 1-based): chr4:113,358,808, T>C. VCF-style: chr4-113358808-T-C. GRCh37 (hg19) VCF-style: chr4-114279964-T-C.
Other names: c.9956T>C, p.Leu3319Ser (NM_001386142.1); c.6590T>C, p.Leu2197Ser (NM_001386166.1); c.10331T>C, p.Leu3444Ser (NM_001386174.1); c.10307T>C, p.Leu3436Ser (NM_001386175.1); c.4412-2015T>C (NM_001386186.2, NM_001386148.2); c.4214-2015T>C (NM_001354269.3); c.4292-2015T>C (NM_001386187.2); c.4253-2015T>C (NM_001386147.1); and 35 more; short protein forms L3319S, L2197S, L3444S, L3397S, L3436S.
Identifiers: ClinVar variation 2991167 (VCV002991167.5), dbSNP rs1482154271, ClinGen allele CA357939877.

ClinVar aggregate classification (germline): Uncertain significance. Review status: criteria provided, multiple submitters, no conflicts (2 of 4 stars). 2 submissions from 2 submitters: Uncertain significance (2). Last evaluated 2026-03-30.

Conditions:
Cardiovascular phenotype. Identifiers: MedGen CN230736.
Long QT syndrome (LQTS). Identifiers: MedGen C0023976, MeSH D008133, MONDO:0002442. Disease mechanism: loss of function. Inheritance: Various modes of inheritance.

Allele frequency attached by ClinVar (database versions not stated): TOPMed 0.00001.

Submissions (2):

Ambry Genetics
Classification: Uncertain significance for Cardiovascular phenotype. Last evaluated: 2026-03-30. Review status: criteria provided, single submitter. Criteria: Ambry Variant Classification Scheme 2023. Collection method: clinical testing. Allele origin: germline.
Comment: The p.L3397S variant (also known as c.10190T>C), located in coding exon 38 of the ANK2 gene, results from a T to C substitution at nucleotide position 10190. The leucine at codon 3397 is replaced by serine, an amino acid with dissimilar properties. This amino acid position is conserved. In addition, the in silico prediction for this alteration is inconclusive. Based on the available evidence, the clinical significance of this variant remains unclear.

Labcorp Genetics (formerly Invitae), Labcorp
Classification: Uncertain significance for Long QT syndrome. Last evaluated: 2023-04-10. Review status: criteria provided, single submitter. Criteria: Invitae Variant Classification Sherloc (09022015). Collection method: clinical testing. Allele origin: germline.
Comment: In summary, the available evidence is currently insufficient to determine the role of this variant in disease. Therefore, it has been classified as a Variant of Uncertain Significance. Algorithms developed to predict the effect of missense changes on protein structure and function output the following: SIFT: "Not Available"; PolyPhen-2: "Benign"; Align-GVGD: "Not Available". The serine amino acid residue is found in multiple mammalian species, which suggests that this missense change does not adversely affect protein function. This variant has not been reported in the literature in individuals affected with ANK2-related conditions. This variant is not present in population databases (gnomAD no frequency). This sequence change replaces leucine, which is neutral and non-polar, with serine, which is neutral and polar, at codon 3397 of the ANK2 protein (p.Leu3397Ser).